The following is an entry in ClinVar:

ClinVar aggregate classification (germline): Uncertain significance (1 of 4 stars; one submission).

Submission:

GeneDx
Classification: Uncertain significance. Last evaluated: 2024-02-09. Review status: criteria provided, single submitter. Criteria: GeneDx Variant Classification Process June 2021. Collection method: clinical testing. Allele origin: germline. Affected: yes.
Comment: Not observed at significant frequency in large population cohorts (gnomAD); In silico analysis supports that this missense variant has a deleterious effect on protein structure/function; Has not been previously published as pathogenic or benign to our knowledge; This variant is associated with the following publications: (PMID: 22419737, 19782031)

NM_007194.4(CHEK2):c.1217G>T (p.Arg406Leu)

Gene: CHEK2 (checkpoint kinase 2; minus strand). Cytogenetic location: 22q12.1.
Variant type: single nucleotide variant.
Coding change: c.1217G>T on transcript NM_007194.4 (MANE Select); coding-DNA position 1217, G replaced by T.
Protein change: p.Arg406Leu; replaces arginine 406 with leucine.
Molecular consequence: missense variant.
Genome position (GRCh38, 1-based): chr22:28,695,752, C>A on the plus strand (G>T on the coding strand, the complement: CHEK2 is on the minus strand). VCF-style: chr22-28695752-C-A. GRCh37 (hg19) VCF-style: chr22-29091740-C-A.
Other names: c.1346G>T, p.Arg449Leu (NM_001005735.3); c.554G>T, p.Arg185Leu (NM_001257387.3); c.1016G>T, p.Arg339Leu (NM_001349956.3); c.1130G>T, p.Arg377Leu (NM_145862.3); short protein forms R185L, R339L, R377L, R406L, R449L.
Identifiers: ClinVar variation 3369101 (VCV003369101.1).